The following is an entry in ClinVar:

ClinVar aggregate classification (germline): Uncertain significance (1 of 4 stars; one submission).

Conditions:
Short-rib thoracic dysplasia 6 with or without polydactyly (SRTD6). Also called: POLYDACTYLY WITH NEONATAL CHONDRODYSTROPHY, TYPE II; SHORT-RIB THORACIC DYSPLASIA 6 WITH POLYDACTYLY; SHORT-RIB THORACIC DYSPLASIA 6 WITHOUT POLYDACTYLY; Majewski Syndrome; SHORT RIB-POLYDACTYLY SYNDROME, TYPE IIA. Identifiers: MedGen C0024507, MONDO:0009894, OMIM 263520.

Allele frequency attached by ClinVar (database versions not stated): TOPMed below 0.00001; ExAC 0.00001; gnomAD exomes 0.00001.
gnomAD v4.1: 3 of 1,610,676 alleles (0.00019%); highest among the groups gnomAD compares: African/African-American, 0.0013%; no homozygotes.

Submission:

Labcorp Genetics (formerly Invitae), Labcorp
Classification: Uncertain significance for Short-rib thoracic dysplasia 6 with or without polydactyly. Last evaluated: 2024-01-10. Review status: criteria provided, single submitter. Criteria: Invitae Variant Classification Sherloc (09022015). Collection method: clinical testing. Allele origin: germline.
Comment: This sequence change replaces valine, which is neutral and non-polar, with alanine, which is neutral and non-polar, at codon 870 of the NEK1 protein (p.Val870Ala). This variant is present in population databases (rs747700130, gnomAD 0.007%). This variant has not been reported in the literature in individuals affected with NEK1-related conditions. Advanced modeling of protein sequence and biophysical properties (such as structural, functional, and spatial information, amino acid conservation, physicochemical variation, residue mobility, and thermodynamic stability) performed at Invitae indicates that this missense variant is not expected to disrupt NEK1 protein function with a negative predictive value of 80%. In summary, the available evidence is currently insufficient to determine the role of this variant in disease. Therefore, it has been classified as a Variant of Uncertain Significance.

NM_001199397.3(NEK1):c.2693T>C (p.Val898Ala)

Genes: NEK1 (NIMA related kinase 1; minus strand), LOC129993365 (ATAC-STARR-seq lymphoblastoid silent region 15794; plus strand). Cytogenetic location: 4q33.
Variant type: single nucleotide variant.
Coding change: c.2693T>C on transcript NM_001199397.3 (MANE Select); coding-DNA position 2693, T replaced by C.
Protein change: p.Val898Ala; replaces valine 898 with alanine.
Molecular consequence: missense variant. On other transcripts: non-coding transcript variant (1), intron variant (1).
Genome position (GRCh38, 1-based): chr4:169,438,154, A>G on the plus strand (T>C on the coding strand, the complement: NEK1 is on the minus strand). VCF-style: chr4-169438154-A-G. GRCh37 (hg19) VCF-style: chr4-170359305-A-G.
Other names: c.2561T>C, p.Val854Ala (NM_001199398.3); c.2402T>C, p.Val801Ala (NM_001199399.3); c.2477T>C, p.Val826Ala (NM_001199400.3); c.2693T>C, p.Val898Ala (NM_001374418.1); c.2609T>C, p.Val870Ala (NM_001374419.1, NM_012224.4); c.2558T>C, p.Val853Ala (NM_001374420.1); c.2282-4489T>C (NM_001374421.1); short protein forms V826A, V853A, V801A, V870A, V898A, V854A.
Identifiers: ClinVar variation 2743401 (VCV002743401.3), dbSNP rs747700130, ClinGen allele CA3137352.